The following is an entry in ClinVar:

NM_002454.3(MTRR):c.1596A>T (p.Leu532Phe)

Gene: MTRR (5-methyltetrahydrofolate-homocysteine methyltransferase reductase; plus strand). Cytogenetic location: 5p15.31.
Variant type: single nucleotide variant.
Coding change: c.1596A>T on transcript NM_002454.3 (MANE Select); coding-DNA position 1596, A replaced by T.
Protein change: p.Leu532Phe; replaces leucine 532 with phenylalanine.
Molecular consequence: missense variant. On other transcripts: non-coding transcript variant (14).
Genome position (GRCh38, 1-based): chr5:7,895,772, A>T. VCF-style: chr5-7895772-A-T. GRCh37 (hg19) VCF-style: chr5-7895885-A-T.
Other names: c.1596A>T, p.Leu532Phe (NM_001364440.2, NM_001364441.2, NM_001364442.2 and 1 more transcripts); short protein forms L532F.
Identifiers: ClinVar variation 1998855 (VCV001998855.4), dbSNP rs749809342, ClinGen allele CA359159253.

ClinVar aggregate classification (germline): Uncertain significance (1 of 4 stars; one submission).

Conditions:
Methylcobalamin deficiency type cblE (HMAE). Also called: HOMOCYSTINURIA-MEGALOBLASTIC ANEMIA, cblE COMPLEMENTATION TYPE; HOMOCYSTINURIA-MEGALOBLASTIC ANEMIA, cblE TYPE; VITAMIN B12-RESPONSIVE HOMOCYSTINURIA, cblE TYPE. Identifiers: Orphanet 2169, Orphanet 622, MedGen C1856057, MONDO:0009354, OMIM 236270.

Submission:

Labcorp Genetics (formerly Invitae), Labcorp
Classification: Uncertain significance for Methylcobalamin deficiency type cblE. Last evaluated: 2022-11-22. Review status: criteria provided, single submitter. Criteria: Invitae Variant Classification Sherloc (09022015). Collection method: clinical testing. Allele origin: germline.
Comment: In summary, the available evidence is currently insufficient to determine the role of this variant in disease. Therefore, it has been classified as a Variant of Uncertain Significance. Algorithms developed to predict the effect of sequence changes on RNA splicing suggest that this variant may create or strengthen a splice site. Advanced modeling of protein sequence and biophysical properties (such as structural, functional, and spatial information, amino acid conservation, physicochemical variation, residue mobility, and thermodynamic stability) performed at Invitae indicates that this missense variant is not expected to disrupt MTRR protein function. This variant has not been reported in the literature in individuals affected with MTRR-related conditions. This variant is not present in population databases (gnomAD no frequency). This sequence change replaces leucine, which is neutral and non-polar, with phenylalanine, which is neutral and non-polar, at codon 532 of the MTRR protein (p.Leu532Phe).